The following is an entry in ClinVar:

NM_004168.4(SDHA):c.1487T>C (p.Leu496Pro)

Gene: SDHA (succinate dehydrogenase complex flavoprotein subunit A; plus strand). Cytogenetic location: 5p15.33.
Variant type: single nucleotide variant.
Coding change: c.1487T>C on transcript NM_004168.4 (MANE Select); coding-DNA position 1487, T replaced by C.
Protein change: p.Leu496Pro; replaces leucine 496 with proline.
Molecular consequence: missense variant.
Genome position (GRCh38, 1-based): chr5:240,412, T>C. VCF-style: chr5-240412-T-C. GRCh37 (hg19) VCF-style: chr5-240527-T-C.
Other names: c.1343T>C, p.Leu448Pro (NM_001294332.2); c.1487T>C, p.Leu496Pro (NM_001330758.2); c.1487T>C (NM_004168.2); short protein forms L448P, L496P.
Identifiers: ClinVar variation 3749626 (VCV003749626.3).

ClinVar aggregate classification (germline): Uncertain significance. Review status: criteria provided, multiple submitters, no conflicts (2 of 4 stars). 2 submissions from 2 submitters: Uncertain significance (2). Last evaluated 2025-02-13.

Conditions:
Hereditary cancer-predisposing syndrome. Also called: Hereditary neoplastic syndrome; Neoplastic Syndromes, Hereditary; Tumor predisposition; Hereditary Cancer Syndrome. Identifiers: Orphanet 140162, MedGen C0027672, MeSH D009386, MONDO:0015356.
Mitochondrial complex II deficiency, nuclear type 1. Also called: SUCCINATE CoQ REDUCTASE DEFICIENCY. Identifiers: Orphanet 3208, MedGen C5700310, MONDO:0100294, OMIM 252011.
Pheochromocytoma/paraganglioma syndrome 5. Also called: Paragangliomas 5; SDHA-Related Hereditary Paraganglioma-Pheochromocytoma Syndrome. Identifiers: Orphanet 29072, MedGen C3279992, MONDO:0013602, OMIM 614165.

Submissions (2):

Ambry Genetics
Classification: Uncertain significance for Hereditary cancer-predisposing syndrome. Last evaluated: 2025-02-13. Review status: criteria provided, single submitter. Criteria: Ambry Variant Classification Scheme 2023. Collection method: clinical testing. Allele origin: germline.
Comment: The p.L496P variant (also known as c.1487T>C), located in coding exon 11 of the SDHA gene, results from a T to C substitution at nucleotide position 1487. The leucine at codon 496 is replaced by proline, an amino acid with similar properties. This amino acid position is highly conserved in available vertebrate species. In addition, this alteration is predicted to be deleterious by in silico analysis. Based on the available evidence, the clinical significance of this variant remains unclear.

Labcorp Genetics (formerly Invitae), Labcorp
Classification: Uncertain significance for Pheochromocytoma/paraganglioma syndrome 5; Mitochondrial complex II deficiency, nuclear type 1. Last evaluated: 2025-01-30. Review status: criteria provided, single submitter. Criteria: Invitae Variant Classification Sherloc (09022015). Collection method: clinical testing. Allele origin: germline.
Comment: This sequence change replaces leucine, which is neutral and non-polar, with proline, which is neutral and non-polar, at codon 496 of the SDHA protein (p.Leu496Pro). This variant is not present in population databases (gnomAD no frequency). This variant has not been reported in the literature in individuals affected with SDHA-related conditions. Invitae Evidence Modeling of protein sequence and biophysical properties (such as structural, functional, and spatial information, amino acid conservation, physicochemical variation, residue mobility, and thermodynamic stability) has been performed for this missense variant. However, the output from this modeling did not meet the statistical confidence thresholds required to predict the impact of this variant on SDHA protein function. In summary, the available evidence is currently insufficient to determine the role of this variant in disease. Therefore, it has been classified as a Variant of Uncertain Significance.